The following is an entry in ClinVar:

ClinVar aggregate classification (germline): Uncertain significance. Review status: criteria provided, multiple submitters, no conflicts (2 of 4 stars). 6 submissions from 6 submitters: Uncertain significance (6). Last evaluated 2025-07-08.

Conditions:
Wilson disease (WND). Also called: Wilson's disease. Identifiers: Orphanet 905, MedGen C0019202, MONDO:0010200, OMIM 277900. Disease mechanism: loss of function.

Allele frequency attached by ClinVar (database versions not stated): ExAC 0.00012; ESP Exome Variant Server 0.00016.
gnomAD v4.1: 57 of 1,614,050 alleles (0.0035%); highest among the groups gnomAD compares: East Asian, 0.038%; no homozygotes.

Submissions (6):

Color Diagnostics, LLC DBA Color Health
Classification: Uncertain significance for Wilson disease. Last evaluated: 2025-07-08. Review status: criteria provided, single submitter. Criteria: ACMG Guidelines, 2015. Collection method: clinical testing. Allele origin: germline.
Comment: This missense variant replaces arginine with glutamine at codon 827 of the ATP7B protein. Computational prediction suggests that this variant may have deleterious impact on protein structure and function. To our knowledge, functional studies have not been reported for this variant. This variant has been reported in an individual with Wilson disease (PMID: 33265091) and in an individual with hyperbilirubinemia (PMID: 39654666). This variant has been identified in 26/280958 chromosomes in the general population by the Genome Aggregation Database (gnomAD). The available evidence is insufficient to determine the role of this variant in disease conclusively. Therefore, this variant is classified as a Variant of Uncertain Significance.

GeneDx
Classification: Uncertain significance. Last evaluated: 2024-10-11. Review status: criteria provided, single submitter. Criteria: GeneDx Variant Classification Process June 2021. Collection method: clinical testing. Allele origin: germline. Affected: yes.
Comment: In silico analysis supports that this missense variant has a deleterious effect on protein structure/function; Observed as heterozygous, without a second variant in ATP7B, in a patient with elevated urine copper following penicillamine challenge (PMID: 33265091); This variant is associated with the following publications: (PMID: You[thesis]2024, 35041927, 33265091)

Blueprint Genetics
Classification: Uncertain significance. Last evaluated: 2024-09-11. Review status: criteria provided, single submitter. Criteria: ACMG Guidelines, 2015. Collection method: clinical testing. Allele origin: germline.

Fulgent Genetics
Classification: Uncertain significance for Wilson disease. Last evaluated: 2024-05-23. Review status: criteria provided, single submitter. Criteria: ACMG Guidelines, 2015. Collection method: clinical testing. Allele origin: germline.

Labcorp Genetics (formerly Invitae), Labcorp
Classification: Uncertain significance for Wilson disease. Last evaluated: 2022-09-07. Review status: criteria provided, single submitter. Criteria: Invitae Variant Classification Sherloc (09022015). Collection method: clinical testing. Allele origin: germline.
Comment: This sequence change replaces arginine, which is basic and polar, with glutamine, which is neutral and polar, at codon 827 of the ATP7B protein (p.Arg827Gln). This variant is present in population databases (rs368589213, gnomAD 0.05%). This missense change has been observed in individual(s) with clinical features of Wilson disease (PMID: 33265091). ClinVar contains an entry for this variant (Variation ID: 1378949). Advanced modeling of protein sequence and biophysical properties (such as structural, functional, and spatial information, amino acid conservation, physicochemical variation, residue mobility, and thermodynamic stability) performed at Invitae indicates that this missense variant is expected to disrupt ATP7B protein function. In summary, the available evidence is currently insufficient to determine the role of this variant in disease. Therefore, it has been classified as a Variant of Uncertain Significance.

Juno Genomics, Hangzhou Juno Genomics, Inc
Classification: Uncertain significance for Wilson disease. Review status: criteria provided, single submitter. Criteria: ACMG Guidelines, 2015. Collection method: clinical testing. Allele origin: germline.
Comment: Absent from controls (or at extremely low frequency if recessive) in Genome Aggregation Database.;Multiple lines of computational evidence support a deleterious effect on the gene or gene product.

Literature cited by the submitters: PubMed 33265091 (cited by Color Diagnostics, LLC DBA Color Health and Labcorp Genetics (formerly Invitae), Labcorp); PubMed 39654666 (cited by Color Diagnostics, LLC DBA Color Health).

NM_000053.4(ATP7B):c.2480G>A (p.Arg827Gln)

Gene: ATP7B (ATPase copper transporting beta; minus strand). Cytogenetic location: 13q14.3.
Variant type: single nucleotide variant.
Coding change: c.2480G>A on transcript NM_000053.4 (MANE Select); coding-DNA position 2480, G replaced by A.
Protein change: p.Arg827Gln; replaces arginine 827 with glutamine.
Molecular consequence: missense variant.
Genome position (GRCh38, 1-based): chr13:51,950,367, C>T on the plus strand (G>A on the coding strand, the complement: ATP7B is on the minus strand). VCF-style: chr13-51950367-C-T. GRCh37 (hg19) VCF-style: chr13-52524503-C-T.
Other names: c.1994G>A, p.Arg665Gln (NM_001005918.3); c.2147G>A, p.Arg716Gln (NM_001243182.2); c.2246G>A, p.Arg749Gln (NM_001330578.2); c.2228G>A, p.Arg743Gln (NM_001330579.2); c.2480G>A (NM_000053.3); short protein forms R665Q, R749Q, R827Q, R716Q, R743Q.
Identifiers: ClinVar variation 1378949 (VCV001378949.10), dbSNP rs368589213, ClinGen allele CA6988993.